The following is an entry in ClinVar:

NM_182961.4(SYNE1):c.9280C>A (p.Pro3094Thr)

Gene: SYNE1 (spectrin repeat containing nuclear envelope protein 1; minus strand). Cytogenetic location: 6q25.2.
Variant type: single nucleotide variant.
Coding change: c.9280C>A on transcript NM_182961.4 (MANE Select); coding-DNA position 9280, C replaced by A.
Protein change: p.Pro3094Thr; replaces proline 3094 with threonine.
Molecular consequence: missense variant.
Genome position (GRCh38, 1-based): chr6:152,376,425, G>T on the plus strand (C>A on the coding strand, the complement: SYNE1 is on the minus strand). VCF-style: chr6-152376425-G-T. GRCh37 (hg19) VCF-style: chr6-152697560-G-T.
Other names: c.9301C>A, p.Pro3101Thr (NM_033071.5); short protein forms P3094T, P3101T.
Identifiers: ClinVar variation 650809 (VCV000650809.7), dbSNP rs1591443794, ClinGen allele CA366140950.

ClinVar aggregate classification (germline): Uncertain significance. Review status: criteria provided, multiple submitters, no conflicts (2 of 4 stars). 2 submissions from 2 submitters: Uncertain significance (2). Last evaluated 2025-10-02.

Conditions:
Emery-Dreifuss muscular dystrophy 4, autosomal dominant (EDMD4). Also called: EMERY-DREIFUSS MUSCULAR DYSTROPHY 4 WITH VARIABLE FEATURES. Identifiers: Orphanet 261, MedGen C2751807, MONDO:0013071, OMIM 612998.
Autosomal recessive ataxia, Beauce type. Also called: Spinocerebellar ataxia, autosomal recessive 8; ATAXIA, RECESSIVE, OF BEAUCE; SYNE1-Related Autosomal Recessive Cerebellar Ataxia; SYNE1 Deficiency. Identifiers: Orphanet 88644, MedGen C1853116, MONDO:0012549, OMIM 610743.

Allele frequency attached by ClinVar (database versions not stated): gnomAD 0.00001.
gnomAD v4.1: 3 of 1,614,032 alleles (0.00019%); highest among the groups gnomAD compares: African/African-American, 0.0013%; no homozygotes.

Submissions (2):

Labcorp Genetics (formerly Invitae), Labcorp
Classification: Uncertain significance for Emery-Dreifuss muscular dystrophy 4, autosomal dominant; Autosomal recessive ataxia, Beauce type. Last evaluated: 2025-10-02. Review status: criteria provided, single submitter. Criteria: Invitae Variant Classification Sherloc (09022015). Collection method: clinical testing. Allele origin: germline.
Comment: This sequence change replaces proline, which is neutral and non-polar, with threonine, which is neutral and polar, at codon 3101 of the SYNE1 protein (p.Pro3101Thr). This variant is not present in population databases (gnomAD no frequency). This variant has not been reported in the literature in individuals affected with SYNE1-related conditions. ClinVar contains an entry for this variant (Variation ID: 650809). An algorithm developed to predict the effect of missense changes on protein structure and function (PolyPhen-2) suggests that this variant is likely to be disruptive. In summary, the available evidence is currently insufficient to determine the role of this variant in disease. Therefore, it has been classified as a Variant of Uncertain Significance.

Revvity Omics, Revvity
Classification: Uncertain significance. Last evaluated: 2025-01-24. Review status: criteria provided, single submitter. Criteria: ACMG Guidelines, 2015. Collection method: clinical testing. Allele origin: germline.